The following is an entry in ClinVar:

NM_020745.4(AARS2):c.31_39del (p.Leu12_Arg14del)

Gene: AARS2 (alanyl-tRNA synthetase 2, mitochondrial; minus strand). Cytogenetic location: 6p21.1.
Variant type: Deletion.
Coding change: c.31_39del on transcript NM_020745.4 (MANE Select); coding-DNA positions 31 to 39, 9 bases deleted (AGGCTGCGG; older notation c.31_39delAGGCTGCGG).
Protein change: p.Leu12_Arg14del.
Molecular consequence: inframe deletion.
Genome position (GRCh38, 1-based): chr6:44,313,285-44,313,293, CCGCAGCCT deleted on the plus strand (AGGCTGCGG on the coding strand, the reverse complement: AARS2 is on the minus strand); deleting any 9 consecutive bases within chr6:44,313,285-44,313,296 gives the same sequence; the c. name uses the placement nearest the transcript's 3' end. VCF-style (leftmost placement, unchanged base first): chr6-44313284-GCCGCAGCCT-G. GRCh37 (hg19) VCF-style: chr6-44281021-GCCGCAGCCT-G.
Other names: c.31_39delAGGCTGCGG (NM_020745.2); c.31_39del (NM_020745.3).
Identifiers: ClinVar variation 213952 (VCV000213952.13), dbSNP rs562829310, ClinGen allele CA320797.

ClinVar aggregate classification (germline): Conflicting classifications of pathogenicity. Review status: criteria provided, conflicting classifications (1 of 4 stars). 5 submissions from 4 submitters: Uncertain significance (3); Likely benign (2). Last evaluated 2025-12-08.

Conditions:
Leukoencephalopathy, progressive, with ovarian failure (LKENP). Identifiers: Orphanet 99853, MedGen C4014588, MONDO:0014387, OMIM 615889.
Combined oxidative phosphorylation defect type 8. Also called: CARDIOMYOPATHY, HYPERTROPHIC MITOCHONDRIAL, FATAL INFANTILE. Identifiers: Orphanet 319504, MedGen C4518839, MONDO:0013570, OMIM 614096.

Submissions (5):

Labcorp Genetics (formerly Invitae), Labcorp
Classification: Likely benign. Last evaluated: 2025-12-08. Review status: criteria provided, single submitter. Criteria: Invitae Variant Classification Sherloc (09022015). Collection method: clinical testing. Allele origin: germline.

Molecular Diagnostic Laboratory for Inherited Cardiovascular Disease, Montreal Heart Institute
Classification: Likely benign. Last evaluated: 2025-04-09. Review status: criteria provided, single submitter. Criteria: ACMG Guidelines, 2015. Collection method: clinical testing. Allele origin: germline. Affected: no.

GeneDx
Classification: Uncertain significance. Last evaluated: 2022-12-05. Review status: criteria provided, single submitter. Criteria: GeneDx Variant Classification Process June 2021. Collection method: clinical testing. Allele origin: germline. Affected: yes.
Comment: In-frame deletion of 3 amino acids in a non-repeat region; In silico analysis supports a deleterious effect on protein structure/function; Has not been previously published as pathogenic or benign to our knowledge

Baylor Genetics
Classification: Uncertain significance for Leukoencephalopathy, progressive, with ovarian failure. Last evaluated: 2022-01-27. Review status: criteria provided, single submitter. Criteria: ACMG Guidelines, 2015. Collection method: clinical testing. Allele origin: unknown.

Baylor Genetics
Classification: Uncertain significance for Combined oxidative phosphorylation defect type 8. Last evaluated: 2018-11-05. Review status: criteria provided, single submitter. Criteria: ACMG Guidelines, 2015. Collection method: clinical testing. Allele origin: unknown. Affected: yes.
Comment: This variant was determined to be of uncertain significance according to ACMG Guidelines, 2015 [PMID:25741868].